The following is an entry in ClinVar:

ClinVar aggregate classification (germline): Benign. Review status: criteria provided, multiple submitters, no conflicts (2 of 4 stars). 6 submissions from 6 submitters: Benign (6). Last evaluated 2026-03-31.

Conditions:
Combined immunodeficiency due to DOCK8 deficiency (HIES2). Also called: HIES autosomal recessive; HYPER-IgE RECURRENT INFECTION SYNDROME 2, AUTOSOMAL RECESSIVE; Hyper-IgE recurrent infection syndrome, autosomal recessive; DOCK8 Deficiency; HYPER-IgE SYNDROME 2, AUTOSOMAL RECESSIVE, WITH RECURRENT INFECTIONS. Identifiers: Orphanet 217390, MedGen C4722305, MONDO:0009478, OMIM 243700.

Allele frequency attached by ClinVar (database versions not stated): gnomAD 0.01049 and 0.01126; ESP Exome Variant Server 0.01084; 1000 Genomes Project 0.01118; TOPMed 0.01202; 1000 Genomes Project 30x 0.01218.
gnomAD v4.1: 3,246 of 1,614,142 alleles (0.2%); highest among the groups gnomAD compares: African/African-American, 3.7%; 60 homozygotes.

Submissions (6):

Women's Health and Genetics/Laboratory Corporation of America, LabCorp
Classification: Benign. Last evaluated: 2026-03-31. Review status: criteria provided, single submitter. Criteria: LabCorp Variant Classification Summary - May 2015. Collection method: clinical testing. Allele origin: germline.

Labcorp Genetics (formerly Invitae), Labcorp
Classification: Benign for Combined immunodeficiency due to DOCK8 deficiency. Last evaluated: 2026-01-28. Review status: criteria provided, single submitter. Criteria: Invitae Variant Classification Sherloc (09022015). Collection method: clinical testing. Allele origin: germline.

Mayo Clinic Laboratories, Mayo Clinic
Classification: Benign. Last evaluated: 2022-10-04. Review status: criteria provided, single submitter. Criteria: ACMG Guidelines, 2015. Collection method: clinical testing. Allele origin: germline. Observed: 5 variant alleles.
Comment: BS1, BP4, BP7

Illumina Laboratory Services, Illumina
Classification: Benign for Combined immunodeficiency due to DOCK8 deficiency. Last evaluated: 2018-01-13. Review status: criteria provided, single submitter. Criteria: ICSL Variant Classification Criteria 13 December 2019. Collection method: clinical testing. Allele origin: germline.
Comment: This variant was observed in the ICSL laboratory as part of a predisposition screen in an ostensibly healthy population. It had not been previously curated by ICSL or reported in the Human Gene Mutation Database (HGMD: prior to June 1st, 2018), and was therefore a candidate for classification through an automated scoring system. Utilizing variant allele frequency, disease prevalence and penetrance estimates, and inheritance mode, an automated score was calculated to assess if this variant is too frequent to cause the disease. Based on the score and internal cut-off values, a variant classified as benign is not then subjected to further curation. The score for this variant resulted in a classification of benign for this disease.

GeneDx
Classification: Benign. Last evaluated: 2015-03-03. Review status: criteria provided, single submitter. Criteria: GeneDx Variant Classification Process June 2021. Collection method: clinical testing. Allele origin: germline. Affected: yes.

Breakthrough Genomics
Classification: Benign. Review status: criteria provided, single submitter. Criteria: ACMG Guidelines, 2015. Collection method: not provided. Allele origin: germline. Inheritance: Autosomal recessive inheritance. Affected: yes.

NM_203447.4(DOCK8):c.2739C>T (p.Ser913=)

Gene: DOCK8 (dedicator of cytokinesis 8; plus strand). Cytogenetic location: 9p24.3.
Variant type: single nucleotide variant.
Coding change: c.2739C>T on transcript NM_203447.4 (MANE Select); coding-DNA position 2739, C replaced by T.
Protein change: p.Ser913=; no amino-acid change (serine 913 retained).
Molecular consequence: synonymous variant.
Genome position (GRCh38, 1-based): chr9:382,646, C>T. VCF-style: chr9-382646-C-T. GRCh37 (hg19) VCF-style: chr9-382646-C-T.
Other names: p.Ser913=; c.2535C>T, p.Ser845= (NM_001190458.2, NM_001193536.2).
Identifiers: ClinVar variation 366927 (VCV000366927.19), dbSNP rs116523732, ClinGen allele CA4958303.